The following is an entry in ClinVar:

NM_001605.3(AARS1):c.334-6_338del

Gene: AARS1 (alanyl-tRNA synthetase 1; minus strand). Cytogenetic location: 16q22.1.
Variant type: Deletion.
Coding change: c.334-6_338del on transcript NM_001605.3 (MANE Select); 6 bases into the intron before coding-DNA position 334 through coding-DNA position 338, 11 bases deleted (TTGTAGGAATT).
Molecular consequence: splice acceptor variant.
Genome position (GRCh38, 1-based): chr16:70,276,627-70,276,637, AATTCCTACAA deleted on the plus strand (TTGTAGGAATT on the coding strand, the reverse complement: AARS1 is on the minus strand); deleting any 11 consecutive bases within chr16:70,276,627-70,276,639 gives the same sequence; the c. name uses the placement nearest the transcript's 3' end. VCF-style (leftmost placement, unchanged base first): chr16-70276626-CAATTCCTACAA-C. GRCh37 (hg19) VCF-style: chr16-70310529-CAATTCCTACAA-C.
Identifiers: ClinVar variation 1682314 (VCV001682314.6), dbSNP rs2152166762, ClinGen allele CA2573152542.

ClinVar aggregate classification (germline): Likely pathogenic (1 of 4 stars; one submission).

Conditions:
Charcot-Marie-Tooth disease type 2. Also called: Charcot-Marie-Tooth type 2. Identifiers: Orphanet 64746, MedGen C0270914, MONDO:0018993.

Submission:

Labcorp Genetics (formerly Invitae), Labcorp
Classification: Likely pathogenic for Charcot-Marie-Tooth disease type 2. Last evaluated: 2023-07-21. Review status: criteria provided, single submitter. Criteria: Invitae Variant Classification Sherloc (09022015). Collection method: clinical testing. Allele origin: germline.
Comment: This variant is not present in population databases (gnomAD no frequency). This variant results in the deletion of part of exon 4 (c.334-6_338del) of the AARS gene. It is expected to disrupt RNA splicing. Variants that disrupt the donor or acceptor splice site typically lead to a loss of protein function (PMID: 16199547), and loss-of-function variants in AARS are known to be pathogenic (PMID: 25817015, 28493438, 34446925). This variant has not been reported in the literature in individuals affected with AARS-related conditions. ClinVar contains an entry for this variant (Variation ID: 1682314). Algorithms developed to predict the effect of sequence changes on RNA splicing suggest that this variant may disrupt the consensus splice site. In summary, the currently available evidence indicates that the variant is pathogenic, but additional data are needed to prove that conclusively. Therefore, this variant has been classified as Likely Pathogenic.

Literature cited by the submitters: PubMed 16199547; PubMed 25817015; PubMed 28493438; PubMed 34446925.